The following is an entry in ClinVar:

NM_013322.3(SNX10):c.162T>A (p.Tyr54Ter)

Gene: SNX10 (sorting nexin 10; plus strand). Cytogenetic location: 7p15.2.
Variant type: single nucleotide variant.
Coding change: c.162T>A on transcript NM_013322.3 (MANE Select); coding-DNA position 162, T replaced by A.
Protein change: p.Tyr54Ter; replaces tyrosine 54 with a stop codon.
Molecular consequence: nonsense. On other transcripts: intron variant (1).
Genome position (GRCh38, 1-based): chr7:26,364,585, T>A. VCF-style: chr7-26364585-T-A. GRCh37 (hg19) VCF-style: chr7-26404205-T-A.
Other names: c.162T>A, p.Tyr54Ter (NM_001199835.1, NM_001318199.3); c.153T>A, p.Tyr51Ter (NM_001199837.3); c.240T>A, p.Tyr80Ter (NM_001318198.1, NM_001362753.1, NM_001362754.1); c.-41+83T>A (NM_001199838.2); short protein forms Y54*, Y51*, Y80*.
Identifiers: ClinVar variation 453176 (VCV000453176.7), dbSNP rs377321694, ClinGen allele CA367228121.

ClinVar aggregate classification (germline): Pathogenic. Review status: criteria provided, multiple submitters, no conflicts (2 of 4 stars). 2 submissions from 2 submitters: Pathogenic (2). Last evaluated 2022-07-12.

gnomAD v4.1: 1 of 1,614,022 alleles (0.000062%); highest among the groups gnomAD compares: South Asian, 0.0011%; no homozygotes.

Submissions (2):

Labcorp Genetics (formerly Invitae), Labcorp
Classification: Pathogenic. Last evaluated: 2022-07-12. Review status: criteria provided, single submitter. Criteria: Invitae Variant Classification Sherloc (09022015). Collection method: clinical testing. Allele origin: germline.
Comment: ClinVar contains an entry for this variant (Variation ID: 453176). This variant has not been reported in the literature in individuals affected with SNX10-related conditions. This variant is not present in population databases (gnomAD no frequency). This sequence change creates a premature translational stop signal (p.Tyr54*) in the SNX10 gene. It is expected to result in an absent or disrupted protein product. Loss-of-function variants in SNX10 are known to be pathogenic (PMID: 23123320, 23280965, 25811986). For these reasons, this variant has been classified as Pathogenic.

GeneDx
Classification: Pathogenic. Last evaluated: 2017-11-06. Review status: criteria provided, single submitter. Criteria: GeneDx Variant Classification (06012015). Collection method: clinical testing. Allele origin: germline. Affected: yes.
Comment: The Y54X variant in the SNX10 gene has not been reported previously as a pathogenic variant nor as a benign variant, to our knowledge. This variant is predicted to cause loss of normal protein function either through protein truncation or nonsense-mediated mRNA decay. The Y54X variant is not observed in large population cohorts (Lek et al., 2016). We interpret Y54X as a pathogenic variant.

Literature cited by the submitters: PubMed 23123320 (cited by Labcorp Genetics (formerly Invitae), Labcorp); PubMed 23280965 (cited by Labcorp Genetics (formerly Invitae), Labcorp); PubMed 25811986 (cited by Labcorp Genetics (formerly Invitae), Labcorp).